The following is an entry in ClinVar:

ClinVar aggregate classification (germline): Uncertain significance (1 of 4 stars; one submission).

Allele frequency attached by ClinVar (database versions not stated): TOPMed 0.00001.

Submission:

Labcorp Genetics (formerly Invitae), Labcorp
Classification: Uncertain significance. Last evaluated: 2022-07-06. Review status: criteria provided, single submitter. Criteria: Invitae Variant Classification Sherloc (09022015). Collection method: clinical testing. Allele origin: germline.
Comment: This variant has not been reported in the literature in individuals affected with SLCO5A1-related conditions. This variant is present in population databases (no rsID available, gnomAD 0.006%). This sequence change replaces methionine, which is neutral and non-polar, with isoleucine, which is neutral and non-polar, at codon 358 of the SLCO5A1 protein (p.Met358Ile). Algorithms developed to predict the effect of missense changes on protein structure and function are either unavailable or do not agree on the potential impact of this missense change (SIFT: "Deleterious"; PolyPhen-2: "Benign"; Align-GVGD: "Class C0"). In summary, the available evidence is currently insufficient to determine the role of this variant in disease. Therefore, it has been classified as a Variant of Uncertain Significance.

NM_030958.3(SLCO5A1):c.1074G>A (p.Met358Ile)

Gene: SLCO5A1 (solute carrier organic anion transporter family member 5A1; minus strand). Cytogenetic location: 8q13.3.
Variant type: single nucleotide variant.
Coding change: c.1074G>A on transcript NM_030958.3 (MANE Select); coding-DNA position 1074, G replaced by A.
Protein change: p.Met358Ile; replaces methionine 358 with isoleucine.
Molecular consequence: missense variant.
Genome position (GRCh38, 1-based): chr8:69,755,608, C>T on the plus strand (G>A on the coding strand, the complement: SLCO5A1 is on the minus strand). VCF-style: chr8-69755608-C-T. GRCh37 (hg19) VCF-style: chr8-70667843-C-T.
Other names: c.1074G>A, p.Met358Ile (NM_001146008.2, NM_001146009.1); short protein forms M358I.
Identifiers: ClinVar variation 2051035 (VCV002051035.4), dbSNP rs1463291608, ClinGen allele CA371235932.